The following is an entry in ClinVar:

NM_001206927.2(DNAH8):c.1902AAG[1] (p.Arg636del)

Gene: DNAH8 (dynein axonemal heavy chain 8; plus strand). Cytogenetic location: 6p21.2.
Variant type: Microsatellite.
Coding change: c.1902AAG[1] on transcript NM_001206927.2 (MANE Select); one copy of the 3-base unit AAG starting at c.1902; the reference has two copies in a row; one copy, 3 bases deleted.
Protein change: p.Arg636del; deletes arginine 636.
Molecular consequence: inframe deletion.
Genome position (GRCh38, 1-based): chr6:38,775,894-38,775,896, AAG deleted; deleting any 3 consecutive bases within chr6:38,775,891-38,775,896 gives the same sequence; the position shown is the placement nearest the transcript's 3' end. VCF-style (leftmost placement, unchanged base first): chr6-38775890-CAAG-C. GRCh37 (hg19) VCF-style: chr6-38743666-CAAG-C.
Other names: c.1251AAG[1], p.Arg419del (NM_001371.4); short protein forms R636del, R419del.
Identifiers: ClinVar variation 2072492 (VCV002072492.4), dbSNP rs758494861, ClinGen allele CA3788349.

ClinVar aggregate classification (germline): Uncertain significance (1 of 4 stars; one submission).

Conditions:
Primary ciliary dyskinesia. Also called: Ciliary dyskinesia. Identifiers: Orphanet 244, MedGen C0008780, MONDO:0016575, HP:0012265.

Submission:

Labcorp Genetics (formerly Invitae), Labcorp
Classification: Uncertain significance for Primary ciliary dyskinesia. Last evaluated: 2022-07-12. Review status: criteria provided, single submitter. Criteria: Invitae Variant Classification Sherloc (09022015). Collection method: clinical testing. Allele origin: germline.
Comment: This variant has not been reported in the literature in individuals affected with DNAH8-related conditions. This variant is present in population databases (rs758494861, gnomAD 0.01%). This variant, c.1905_1907del, results in the deletion of 1 amino acid(s) of the DNAH8 protein (p.Arg636del), but otherwise preserves the integrity of the reading frame. Experimental studies and prediction algorithms are not available or were not evaluated, and the functional significance of this variant is currently unknown. In summary, the available evidence is currently insufficient to determine the role of this variant in disease. Therefore, it has been classified as a Variant of Uncertain Significance.